The following is an entry in ClinVar:

ClinVar aggregate classification (germline): Benign/Likely benign. Review status: criteria provided, single submitter (1 of 4 stars). 2 submissions from 1 submitter: Benign (1); Likely benign (1). Last evaluated 2018-01-13.

Conditions:
Noonan syndrome 5 (NS5). Also called: RAF1-Related Noonan Syndrome. Identifiers: Orphanet 648, MedGen C1969057, MONDO:0012690, OMIM 611553. Disease mechanism: gain of function.
LEOPARD syndrome 2 (LPRD2). Also called: RAF1-Related LEOPARD Syndrome. Identifiers: Orphanet 500, MedGen C1969056, MONDO:0012691, OMIM 611554.

Allele frequency attached by ClinVar (database versions not stated): gnomAD exomes 0.00029; gnomAD 0.00277 and 0.00295; TOPMed 0.00327; 1000 Genomes Project 30x 0.00453; 1000 Genomes Project 0.00459.
gnomAD v4.1: 636 of 874,802 alleles (0.073%); highest among the groups gnomAD compares: African/African-American, 0.95%; 5 homozygotes.

Submissions (2):

Illumina Laboratory Services, Illumina
Classification: Likely benign for Noonan syndrome 5. Last evaluated: 2018-01-13. Review status: criteria provided, single submitter. Criteria: ICSL Variant Classification Criteria 13 December 2019. Collection method: clinical testing. Allele origin: germline.
Comment: This variant was observed in the ICSL laboratory as part of a predisposition screen in an ostensibly healthy population. It had not been previously curated by ICSL or reported in the Human Gene Mutation Database (HGMD: prior to June 1st, 2018), and was therefore a candidate for classification through an automated scoring system. Utilizing variant allele frequency, disease prevalence and penetrance estimates, and inheritance mode, an automated score was calculated to assess if this variant is too frequent to cause the disease. Based on the score and internal cut-off values, a variant classified as likely benign is not then subjected to further curation. The score for this variant resulted in a classification of likely benign for this disease.

Illumina Laboratory Services, Illumina
Classification: Benign for LEOPARD syndrome 2. Last evaluated: 2018-01-13. Review status: criteria provided, single submitter. Criteria: ICSL Variant Classification Criteria 13 December 2019. Collection method: clinical testing. Allele origin: germline.
Comment: This variant was observed in the ICSL laboratory as part of a predisposition screen in an ostensibly healthy population. It had not been previously curated by ICSL or reported in the Human Gene Mutation Database (HGMD: prior to June 1st, 2018), and was therefore a candidate for classification through an automated scoring system. Utilizing variant allele frequency, disease prevalence and penetrance estimates, and inheritance mode, an automated score was calculated to assess if this variant is too frequent to cause the disease. Based on the score and internal cut-off values, a variant classified as benign is not then subjected to further curation. The score for this variant resulted in a classification of benign for this disease.

NM_002880.4(RAF1):c.*160C>T

Gene: RAF1 (Raf-1 proto-oncogene, serine/threonine kinase; minus strand). Cytogenetic location: 3p25.2.
Variant type: single nucleotide variant.
Coding change: c.*160C>T on transcript NM_002880.4 (MANE Select); 160 bases downstream of the stop codon, C replaced by T.
Molecular consequence: 3 prime UTR variant. On other transcripts: non-coding transcript variant (3).
Genome position (GRCh38, 1-based): chr3:12,584,354, G>A on the plus strand (C>T on the coding strand, the complement: RAF1 is on the minus strand). VCF-style: chr3-12584354-G-A. GRCh37 (hg19) VCF-style: chr3-12625853-G-A.
Other names: c.*160C>T (NM_001354689.3, NM_001354694.3, NM_001354695.3 and 4 more transcripts).
Identifiers: ClinVar variation 343101 (VCV000343101.5), dbSNP rs5746246, ClinGen allele CA10617201.